The following is an entry in ClinVar:

ClinVar aggregate classification (germline): Uncertain significance (1 of 4 stars; one submission).

Conditions:
Autosomal recessive spinocerebellar ataxia 16. Identifiers: Orphanet 412057, MedGen C5190574, MONDO:0014339, OMIM 615768.

Submission:

Baylor Genetics
Classification: Uncertain significance for Autosomal recessive spinocerebellar ataxia 16. Last evaluated: 2019-06-21. Review status: criteria provided, single submitter. Criteria: ACMG Guidelines, 2015. Collection method: clinical testing. Allele origin: maternal. Affected: yes.
Comment: This variant was determined to be of uncertain significance according to ACMG Guidelines, 2015 [PMID:25741868].

NM_005861.4(STUB1):c.612+11C>G

Genes: JMJD8 (jumonji domain containing 8; minus strand), STUB1 (STIP1 homology and U-box containing protein 1; plus strand). Cytogenetic location: 16p13.3.
Variant type: single nucleotide variant.
Coding change: c.612+11C>G on transcript NM_005861.4 (MANE Select); 11 bases into the intron after coding-DNA position 612, C replaced by G.
Molecular consequence: intron variant. On other transcripts: 3 prime UTR variant (5), non-coding transcript variant (3).
Genome position (GRCh38, 1-based): chr16:681,891, C>G. VCF-style: chr16-681891-C-G. GRCh37 (hg19) VCF-style: chr16-731891-C-G.
Other names: c.*903G>C (NM_001005920.4, NM_001323919.3, NM_001323920.3); c.*937G>C (NM_001323918.3, NM_001323922.3); c.396+11C>G (NM_001293197.2).
Identifiers: ClinVar variation 1028430 (VCV001028430.1), dbSNP rs1567281056, ClinGen allele CA2201205002.